The following is an entry in ClinVar:

ClinVar aggregate classification (germline): Pathogenic/Likely pathogenic. Review status: criteria provided, multiple submitters, no conflicts (2 of 4 stars). 3 submissions from 3 submitters: Pathogenic (1); Likely pathogenic (1). 1 of the submissions does not count toward it. Last evaluated 2022-07-28.

Conditions:
Cone-rod dystrophy 20 (CORD20). Identifiers: Orphanet 1872, MedGen C4014856, MONDO:0014427, OMIM 615973.

Submissions (3):

MGZ Medical Genetics Center
Classification: Likely pathogenic for Cone-rod dystrophy 20. Last evaluated: 2022-07-28. Review status: criteria provided, single submitter. Criteria: ACMG Guidelines, 2015. Collection method: clinical testing. Allele origin: germline. Affected: yes. Observed: 1 variant allele.
Comment: ACMG criteria applied: PVS1_STR, PM2_SUP, PM3_SUP

Institute of Medical Genetics and Applied Genomics, University Hospital Tübingen
Classification: Pathogenic. Last evaluated: 2020-10-23. Review status: criteria provided, single submitter. Criteria: ACMG Guidelines, 2015. Collection method: clinical testing. Allele origin: germline. Inheritance: Unknown mechanism. Affected: yes.

Bioscientia Institut fuer Medizinische Diagnostik GmbH, Sonic Healthcare
Classification: Likely pathogenic for Cone-rod dystrophy 20. Last evaluated: 2020-05-06. Review status: no assertion criteria provided. Collection method: clinical testing. Allele origin: germline. Affected: yes. Not counted in ClinVar's aggregate classification.

NM_172240.3(POC1B):c.1332_1333dup (p.Thr445fs)

Genes: POC1B (POC1 centriolar protein B; minus strand), POC1B-DUSP6 (POC1B-DUSP6 readthrough; minus strand). Cytogenetic location: 12q21.33.
Variant type: Duplication.
Coding change: c.1332_1333dup on transcript NM_172240.3 (MANE Select); coding-DNA positions 1332 to 1333, 2 bases duplicated (AG; older notation c.1332_1333dupAG).
Protein change: p.Thr445fs; shifts the reading frame from threonine 445.
Molecular consequence: frameshift variant. On other transcripts: non-coding transcript variant (2).
Genome position (GRCh38, 1-based): chr12:89,425,161-89,425,162, CT duplicated on the plus strand (AG on the coding strand, the reverse complement: POC1B is on the minus strand). VCF-style (leftmost placement, unchanged base first): chr12-89425160-C-CCT. GRCh37 (hg19) VCF-style: chr12-89818937-C-CCT.
Other names: c.1206_1207dup, p.Thr403fs (NM_001199777.2); c.1332_1332+1insAG (NM_172240.3); c.1331_1332dup (NM_172240.3); short protein forms T403fs, T445fs.
Identifiers: ClinVar variation 987339 (VCV000987339.5), dbSNP rs1880707874, ClinGen allele CA1139662804.